The following is an entry in ClinVar:

ClinVar aggregate classification (germline): Likely benign. Review status: criteria provided, multiple submitters, no conflicts (2 of 4 stars). 3 submissions from 3 submitters: Likely benign (3). Last evaluated 2026-01-13.

Conditions:
Meckel syndrome, type 11 (MKS11). Identifiers: Orphanet 564, MedGen C3809352, MONDO:0014164, OMIM 615397.
Joubert syndrome 20 (JBTS20). Identifiers: Orphanet 475, MedGen C3554235, MONDO:0013994, OMIM 614970.

Allele frequency attached by ClinVar (database versions not stated): 1000 Genomes Project 30x 0.00016; 1000 Genomes Project 0.00020; gnomAD 0.00038 and 0.00041; gnomAD exomes 0.00039 and 0.00053; ESP Exome Variant Server 0.00042; TOPMed 0.00043; ExAC 0.00233.
gnomAD v4.1: 763 of 1,519,722 alleles (0.05%); highest among the groups gnomAD compares: Non-Finnish European, 0.064%; no homozygotes.

Submissions (3):

Labcorp Genetics (formerly Invitae), Labcorp
Classification: Likely benign for Joubert syndrome 20; Meckel syndrome, type 11. Last evaluated: 2026-01-13. Review status: criteria provided, single submitter. Criteria: Invitae Variant Classification Sherloc (09022015). Collection method: clinical testing. Allele origin: germline.

Blueprint Genetics
Classification: Likely benign. Last evaluated: 2024-11-18. Review status: criteria provided, single submitter. Criteria: ACMG Guidelines, 2015. Collection method: clinical testing. Allele origin: germline.

GeneDx
Classification: Likely benign. Last evaluated: 2018-03-14. Review status: criteria provided, single submitter. Criteria: GeneDx Variant Classification (06012015). Collection method: clinical testing. Allele origin: germline. Affected: yes.
Comment: This variant is considered likely benign or benign based on one or more of the following criteria: it is a conservative change, it occurs at a poorly conserved position in the protein, it is predicted to be benign by multiple in silico algorithms, and/or has population frequency not consistent with disease.

NM_001077418.3(TMEM231):c.309+13C>A

Gene: TMEM231 (transmembrane protein 231; minus strand). Cytogenetic location: 16q23.1.
Variant type: single nucleotide variant.
Coding change: c.309+13C>A on transcript NM_001077418.3 (MANE Select); 13 bases into the intron after coding-DNA position 309, C replaced by A.
Molecular consequence: intron variant.
Genome position (GRCh38, 1-based): chr16:75,555,791, G>T on the plus strand (C>A on the coding strand, the complement: TMEM231 is on the minus strand). VCF-style: chr16-75555791-G-T. GRCh37 (hg19) VCF-style: chr16-75589689-G-T.
Other names: c.468+13C>A (NM_001077416.2).
Identifiers: ClinVar variation 516242 (VCV000516242.10), dbSNP rs146945255, ClinGen allele CA8176238.